The following is an entry in ClinVar:

NM_000057.4(BLM):c.3616G>A (p.Ala1206Thr)

Gene: BLM (BLM RecQ like helicase; plus strand). Cytogenetic location: 15q26.1.
Variant type: single nucleotide variant.
Coding change: c.3616G>A on transcript NM_000057.4 (MANE Select); coding-DNA position 3616, G replaced by A.
Protein change: p.Ala1206Thr; replaces alanine 1206 with threonine.
Molecular consequence: missense variant. On other transcripts: intron variant (1).
Genome position (GRCh38, 1-based): chr15:90,804,224, G>A. VCF-style: chr15-90804224-G-A. GRCh37 (hg19) VCF-style: chr15-91347454-G-A.
Other names: c.3616G>A (NM_000057.2); c.3616G>A, p.Ala1206Thr (NM_001287246.2); c.2491G>A, p.Ala831Thr (NM_001287248.2); c.3359-4913G>A (NM_001287247.2); short protein forms A831T, A1206T.
Identifiers: ClinVar variation 845782 (VCV000845782.8), dbSNP rs1897234089, ClinGen allele CA393848007.

ClinVar aggregate classification (germline): Uncertain significance. Review status: criteria provided, multiple submitters, no conflicts (2 of 4 stars). 2 submissions from 2 submitters: Uncertain significance (2). Last evaluated 2024-05-02.

Conditions:
Bloom syndrome (BLM). Also called: Bloom-Torre-Machacek syndrome. Identifiers: Orphanet 125, MedGen C0005859, MONDO:0008876, OMIM 210900.
Hereditary cancer-predisposing syndrome. Also called: Tumor predisposition; Hereditary neoplastic syndrome; Neoplastic Syndromes, Hereditary; Hereditary Cancer Syndrome. Identifiers: Orphanet 140162, MedGen C0027672, MeSH D009386, MONDO:0015356.

gnomAD v4.1: 3 of 1,614,176 alleles (0.00019%); highest among the groups gnomAD compares: South Asian, 0.0011%; no homozygotes.

Submissions (2):

Ambry Genetics
Classification: Uncertain significance for Hereditary cancer-predisposing syndrome. Last evaluated: 2024-05-02. Review status: criteria provided, single submitter. Criteria: Ambry Variant Classification Scheme 2023. Collection method: clinical testing. Allele origin: germline.
Comment: The p.A1206T variant (also known as c.3616G>A), located in coding exon 18 of the BLM gene, results from a G to A substitution at nucleotide position 3616. The alanine at codon 1206 is replaced by threonine, an amino acid with similar properties. This amino acid position is conserved. In addition, this alteration is predicted to be tolerated by in silico analysis. Based on the available evidence, the clinical significance of this variant remains unclear.

Labcorp Genetics (formerly Invitae), Labcorp
Classification: Uncertain significance for Bloom syndrome. Last evaluated: 2023-05-13. Review status: criteria provided, single submitter. Criteria: Invitae Variant Classification Sherloc (09022015). Collection method: clinical testing. Allele origin: germline.
Comment: In summary, the available evidence is currently insufficient to determine the role of this variant in disease. Therefore, it has been classified as a Variant of Uncertain Significance. Advanced modeling of protein sequence and biophysical properties (such as structural, functional, and spatial information, amino acid conservation, physicochemical variation, residue mobility, and thermodynamic stability) performed at Invitae indicates that this missense variant is not expected to disrupt BLM protein function. ClinVar contains an entry for this variant (Variation ID: 845782). This variant has not been reported in the literature in individuals affected with BLM-related conditions. This variant is not present in population databases (gnomAD no frequency). This sequence change replaces alanine, which is neutral and non-polar, with threonine, which is neutral and polar, at codon 1206 of the BLM protein (p.Ala1206Thr).